The following is an entry in ClinVar:

NM_001017420.3(ESCO2):c.604C>T (p.Gln202Ter)

Gene: ESCO2 (establishment of sister chromatid cohesion N-acetyltransferase 2; plus strand). Cytogenetic location: 8p21.1.
Variant type: single nucleotide variant.
Coding change: c.604C>T on transcript NM_001017420.3 (MANE Select); coding-DNA position 604, C replaced by T.
Protein change: p.Gln202Ter; replaces glutamine 202 with a stop codon.
Molecular consequence: nonsense.
Genome position (GRCh38, 1-based): chr8:27,776,912, C>T. VCF-style: chr8-27776912-C-T. GRCh37 (hg19) VCF-style: chr8-27634429-C-T.
Other names: short protein forms Q202*.
Identifiers: ClinVar variation 1740 (VCV000001740.9), dbSNP rs80359850, ClinGen allele CA339910.

ClinVar aggregate classification (germline): Pathogenic. Review status: criteria provided, single submitter (1 of 4 stars). 3 submissions from 3 submitters: Pathogenic (1). 2 of the submissions do not count toward it. Last evaluated 2023-06-10.

Conditions:
Roberts-SC phocomelia syndrome (RBS). Also called: Hypomelia hypotrichosis facial hemangioma syndrome; LONG BONE DEFICIENCIES ASSOCIATED WITH CLEFT LIP-PALATE; Pseudothalidomide syndrome; Appelt-Gerken-Lenz syndrome; ESCO2 Spectrum Disorder. Identifiers: Orphanet 3103, MedGen C0392475, MONDO:0100253, OMIM 268300.

Allele frequency attached by ClinVar (database versions not stated): gnomAD exomes below 0.00001.

Submissions (3):

Labcorp Genetics (formerly Invitae), Labcorp
Classification: Pathogenic. Last evaluated: 2023-06-10. Review status: criteria provided, single submitter. Criteria: Invitae Variant Classification Sherloc (09022015). Collection method: clinical testing. Allele origin: germline.
Comment: This variant is not present in population databases (gnomAD no frequency). For these reasons, this variant has been classified as Pathogenic. ClinVar contains an entry for this variant (Variation ID: 1740). This premature translational stop signal has been observed in individual(s) with ESCO2-related conditions (PMID: 16380922). This sequence change creates a premature translational stop signal (p.Gln202*) in the ESCO2 gene. It is expected to result in an absent or disrupted protein product. Loss-of-function variants in ESCO2 are known to be pathogenic (PMID: 15821733, 16380922).

OMIM
Classification: Pathogenic for ROBERTS-SC PHOCOMELIA SYNDROME. Last evaluated: 2005-12-01. Review status: no assertion criteria provided. Collection method: literature only. Allele origin: germline. Not counted in ClinVar's aggregate classification.

GeneReviews
No classification provided. Condition: Roberts-SC phocomelia syndrome. Review status: no classification provided. Collection method: literature only. Allele origin: unknown. Not counted in ClinVar's aggregate classification.

Literature cited by the submitters: PubMed 16380922 (cited by 3 submitters); PubMed 15821733 (cited by Labcorp Genetics (formerly Invitae), Labcorp); PubMed 3740099 (cited by OMIM and GeneReviews); PubMed 20301332 (cited by GeneReviews); NCBI Bookshelf NBK1153 (cited by GeneReviews).